The following is an entry in ClinVar:

NM_022773.4(LMF1):c.192C>G (p.Tyr64Ter)

Genes: LMF1 (lipase maturation factor 1; minus strand), LOC130058141 (ATAC-STARR-seq lymphoblastoid silent region 6962; plus strand). Cytogenetic location: 16p13.3.
Variant type: single nucleotide variant.
Coding change: c.192C>G on transcript NM_022773.4 (MANE Select); coding-DNA position 192, C replaced by G.
Protein change: p.Tyr64Ter; replaces tyrosine 64 with a stop codon.
Molecular consequence: nonsense. On other transcripts: 5 prime UTR variant (1), non-coding transcript variant (1), intron variant (3).
Genome position (GRCh38, 1-based): chr16:970,789, G>C on the plus strand (C>G on the coding strand, the complement: LMF1 is on the minus strand). VCF-style: chr16-970789-G-C. GRCh37 (hg19) VCF-style: chr16-1020789-G-C.
Other names: c.192C>G, p.Tyr64Ter (NM_001352020.1); c.-514C>G (NM_001352021.2); c.-135+10356C>G (NM_001352019.2); c.-611+10356C>G (NM_001352017.2); c.-362+10356C>G (NM_001352018.2); short protein forms Y64*.
Identifiers: ClinVar variation 5005671 (VCV005005671.2).

ClinVar aggregate classification (germline): Likely pathogenic (1 of 4 stars; one submission).

Conditions:
Lipase deficiency, combined. Also called: LIPOPROTEIN LIPASE DEFICIENCY WITH HEPATIC TRIGLYCERIDE LIPASE DEFICIENCY; LPL AND HL DEFICIENCY; LPL AND HTGL DEFICIENCY. Identifiers: Orphanet 535453, MedGen C1855498, MONDO:0009527, OMIM 246650.

Submission:

Juno Genomics, Hangzhou Juno Genomics, Inc
Classification: Likely pathogenic for Lipase deficiency, combined. Review status: criteria provided, single submitter. Criteria: ACMG Guidelines, 2015. Collection method: clinical testing. Allele origin: germline.
Comment: Null variant in a gene where loss of function (LOF) is a known mechanism of disease.;Absent from controls (or at extremely low frequency if recessive) in Genome Aggregation Database.